The following is an entry in ClinVar:

NM_000088.4(COL1A1):c.103+5G>A

Gene: COL1A1 (collagen type I alpha 1 chain; minus strand). Cytogenetic location: 17q21.33.
Variant type: single nucleotide variant.
Coding change: c.103+5G>A on transcript NM_000088.4 (MANE Select); 5 bases into the intron after coding-DNA position 103, G replaced by A.
Molecular consequence: intron variant.
Genome position (GRCh38, 1-based): chr17:50,201,406, C>T on the plus strand (G>A on the coding strand, the complement: COL1A1 is on the minus strand). VCF-style: chr17-50201406-C-T. GRCh37 (hg19) VCF-style: chr17-48278767-C-T.
Identifiers: ClinVar variation 456725 (VCV000456725.12), dbSNP rs1555575835, ClinGen allele CA658658624.

ClinVar aggregate classification (germline): Conflicting classifications of pathogenicity. Review status: criteria provided, conflicting classifications (1 of 4 stars). 4 submissions from 4 submitters: Likely pathogenic (1); Uncertain significance (3). Last evaluated 2026-03-02.

Conditions:
Osteogenesis imperfecta type I (OI1). Also called: Lobstein's Disease; Classic Non-deforming Osteogenesis Imperfecta with Blue Sclerae; Osteogenesis imperfecta type 1; OI, TYPE I; OSTEOGENESIS IMPERFECTA TARDA; OSTEOGENESIS IMPERFECTA WITH BLUE SCLERAE. Identifiers: Orphanet 216796, Orphanet 666, MedGen C0023931, MONDO:0008146, OMIM 166200. Disease mechanism: loss of function.

Submissions (4):

Women's Health and Genetics/Laboratory Corporation of America, LabCorp
Classification: Uncertain significance. Last evaluated: 2026-03-02. Review status: criteria provided, single submitter. Criteria: LabCorp Variant Classification Summary - May 2015. Collection method: clinical testing. Allele origin: germline.
Comment: Variant summary: COL1A1 c.103+5G>A alters a conserved nucleotide located close to a canonical splice site and therefore could affect mRNA splicing, leading to a significantly altered protein sequence. Several computational tools predict a significant impact on normal splicing: Two predict the variant abolishes a 5' splicing donor site. Two predict the variant weakens a 5' donor site. However, these predictions have yet to be confirmed by functional studies. The variant was absent in 250450 control chromosomes. The available data on variant occurrences in the general population are insufficient to allow any conclusion about variant significance. c.103+5G>A has been observed in at least 2 families affected with Osteogenesis Imperfecta (Internal data), including at least 1 family where the variant segregated with disease. These data indicate that the variant may be associated with disease. To our knowledge, no experimental evidence demonstrating an impact on protein function has been reported. The following publications has been ascertained in the context of this evaluation (PMID: 40887625). ClinVar contains an entry for this variant (Variation ID: 456725). Based on the evidence outlined above, the variant was classified as VUS-possibly pathogenic.

GeneDx
Classification: Uncertain significance. Last evaluated: 2024-05-14. Review status: criteria provided, single submitter. Criteria: GeneDx Variant Classification Process June 2021. Collection method: clinical testing. Allele origin: germline. Affected: yes.
Comment: Has not been previously published as pathogenic or benign to our knowledge; Not observed at significant frequency in large population cohorts (gnomAD); In silico analysis is inconclusive as to whether the variant alters gene splicing; in the absence of RNA/functional studies the actual effect of this sequence change is unknown

Blueprint Genetics
Classification: Uncertain significance. Last evaluated: 2023-01-16. Review status: criteria provided, single submitter. Criteria: ACMG Guidelines, 2015. Collection method: clinical testing. Allele origin: germline.

Labcorp Genetics (formerly Invitae), Labcorp
Classification: Likely pathogenic for Osteogenesis imperfecta type I. Last evaluated: 2020-03-04. Review status: criteria provided, single submitter. Criteria: Invitae Variant Classification Sherloc (09022015). Collection method: clinical testing. Allele origin: germline.
Comment: This sequence change falls in intron 1 of the COL1A1 gene. It does not directly change the encoded amino acid sequence of the COL1A1 protein, but it affects a nucleotide within the consensus splice site of the intron. This variant is not present in population databases (ExAC no frequency). This variant has been observed in individual(s) with clinical features of osteogenesis imperfecta (Invitae). It has also been observed to segregate with disease in related individuals. ClinVar contains an entry for this variant (Variation ID: 456725). Nucleotide substitutions within the consensus splice site are a relatively common cause of aberrant splicing (PMID: 17576681, 9536098). Algorithms developed to predict the effect of sequence changes on RNA splicing suggest that this variant may disrupt the consensus splice site, but this prediction has not been confirmed by published transcriptional studies. In summary, the currently available evidence indicates that the variant is pathogenic, but additional data are needed to prove that conclusively. Therefore, this variant has been classified as Likely Pathogenic.

Literature cited by the submitters: PubMed 40887625 (cited by Women's Health and Genetics/Laboratory Corporation of America, LabCorp); PubMed 17576681 (cited by Labcorp Genetics (formerly Invitae), Labcorp); PubMed 9536098 (cited by Labcorp Genetics (formerly Invitae), Labcorp).